The following is an entry in ClinVar:

ClinVar aggregate classification (germline): Pathogenic/Likely pathogenic. Review status: criteria provided, multiple submitters, no conflicts (2 of 4 stars). 4 submissions from 4 submitters: Pathogenic (2); Likely pathogenic (2). Last evaluated 2025-08-18.

Conditions:
Retinitis pigmentosa 25 (RP25). Identifiers: Orphanet 791, MedGen C1864446, MONDO:0011272, OMIM 602772.

Submissions (4):

Myriad Genetics, Inc.
Classification: Pathogenic for Retinitis pigmentosa 25. Last evaluated: 2025-08-18. Review status: criteria provided, single submitter. Criteria: Myriad Autosomal Dominant, Autosomal Recessive and X-Linked Classification Criteria (2023). Collection method: clinical testing. Allele origin: unknown.
Comment: NM_001142800.1(EYS):c.8243delT(L2748Yfs*5) is a frameshift variant classified as pathogenic in the context of retinitis pigmentosa, EYS-related. L2748Yfs*5 has been observed in a case with relevant disease (PMID: 33058741). Relevant functional assessments of this variant are not available in the literature. L2748Yfs*5 has not been observed in referenced population frequency databases. In summary, NM_001142800.1(EYS):c.8243delT(L2748Yfs*5) is a frameshift variant in a gene where loss of function is a known mechanism of disease, is predicted to disrupt protein function, and has been observed more frequently in cases with the relevant disease than in healthy populations. Please note: this variant was assessed in the context of healthy population screening.

Fulgent Genetics
Classification: Likely pathogenic for Retinitis pigmentosa 25. Last evaluated: 2024-04-02. Review status: criteria provided, single submitter. Criteria: ACMG Guidelines, 2015. Collection method: clinical testing. Allele origin: germline.

Baylor Genetics
Classification: Likely pathogenic for Retinitis pigmentosa 25. Last evaluated: 2024-01-23. Review status: criteria provided, single submitter. Criteria: ACMG Guidelines, 2015. Collection method: clinical testing. Allele origin: unknown.

Labcorp Genetics (formerly Invitae), Labcorp
Classification: Pathogenic. Last evaluated: 2021-08-23. Review status: criteria provided, single submitter. Criteria: Invitae Variant Classification Sherloc (09022015). Collection method: clinical testing. Allele origin: germline.
Comment: This variant is not present in population databases (ExAC no frequency). This variant has not been reported in the literature in individuals with EYS-related conditions. This variant disrupts the C-terminus of the EYS protein. Other variant(s) that disrupt this region (p.Tyr3135*) have been determined to be pathogenic (PMID: 30337596, 18976725). This suggests that variants that disrupt this region of the protein are likely to be causative of disease. For these reasons, this variant has been classified as Pathogenic. This sequence change creates a premature translational stop signal (p.Leu2748Tyrfs*5) in the EYS gene. While this is not anticipated to result in nonsense mediated decay, it is expected to disrupt the last 397 amino acid(s) of the EYS protein.

Literature cited by the submitters: PubMed 33058741 (cited by Myriad Genetics, Inc.); PubMed 30337596 (cited by Labcorp Genetics (formerly Invitae), Labcorp); PubMed 18976725 (cited by Labcorp Genetics (formerly Invitae), Labcorp).

NM_001142800.2(EYS):c.8243del (p.Leu2748fs)

Genes: EYS (EGF-like photoreceptor maintenance factor; minus strand), PHF3 (PHD finger protein 3; plus strand). Cytogenetic location: 6q12.
Variant type: Deletion.
Coding change: c.8243del on transcript NM_001142800.2 (MANE Select); coding-DNA position 8243, one base deleted (T; older notation c.8243delT).
Protein change: p.Leu2748fs; shifts the reading frame from leucine 2748.
Molecular consequence: frameshift variant. On other transcripts: 3 prime UTR variant (5).
Genome position (GRCh38, 1-based): chr6:63,721,788, A deleted on the plus strand (T on the coding strand, the reverse complement: EYS is on the minus strand); the first of 6 consecutive A bases (chr6:63,721,788-63,721,793); deleting any one gives the same sequence. VCF-style (leftmost placement, unchanged base first): chr6-63721787-TA-T. GRCh37 (hg19) VCF-style: chr6-64431683-TA-T.
Other names: c.*8085del (NM_001290259.2, NM_001370348.2, NM_001370349.2 and 2 more transcripts); c.8306del, p.Leu2769fs (NM_001292009.2); short protein forms L2769fs, L2748fs.
Identifiers: ClinVar variation 945068 (VCV000945068.13), dbSNP rs1240944758, ClinGen allele CA645556696.